The following is an entry in ClinVar:

NM_014633.5(CTR9):c.1960+1G>T

Gene: CTR9 (CTR9 homolog, Paf1/RNA polymerase II complex component; plus strand). Cytogenetic location: 11p15.4.
Variant type: single nucleotide variant.
Coding change: c.1960+1G>T on transcript NM_014633.5 (MANE Select); the canonical splice donor site of the intron after coding-DNA position 1960, G replaced by T.
Molecular consequence: splice donor variant.
Genome position (GRCh38, 1-based): chr11:10,768,162, G>T. VCF-style: chr11-10768162-G-T. GRCh37 (hg19) VCF-style: chr11-10789709-G-T.
Other names: c.1960+1G>T (NM_001346279.2).
Identifiers: ClinVar variation 3365575 (VCV003365575.1).

ClinVar aggregate classification (germline): Uncertain significance (1 of 4 stars; one submission).

Submission:

GeneDx
Classification: Uncertain significance. Last evaluated: 2023-12-15. Review status: criteria provided, single submitter. Criteria: GeneDx Variant Classification Process June 2021. Collection method: clinical testing. Allele origin: germline. Affected: yes.
Comment: Not observed at significant frequency in large population cohorts (gnomAD); Canonical splice site variant in a gene or region of a gene for which loss of function is not a well-established mechanism of disease; Has not been previously published as pathogenic or benign to our knowledge